The following is an entry in ClinVar:

ClinVar aggregate classification (germline): Uncertain significance. Review status: criteria provided, multiple submitters, no conflicts (2 of 4 stars). 3 submissions from 3 submitters: Uncertain significance (2). 1 of the submissions does not count toward it. Last evaluated 2026-03-05.

Conditions:
Alport syndrome. Also called: Hemorrhagic familial nephritis; Hemorrhagic hereditary nephritis; Congenital hereditary hematuria. Identifiers: Orphanet 63, MedGen C1567741, MONDO:0018965.

gnomAD v4.1: 7 of 1,613,842 alleles (0.00043%); highest among the groups gnomAD compares: Admixed American, 0.0067%; no homozygotes.

Submissions (3):

GeneDx
Classification: Uncertain significance. Last evaluated: 2026-03-05. Review status: criteria provided, single submitter. Criteria: GeneDx Variant Classification Process June 2021. Collection method: clinical testing. Allele origin: germline.
Comment: In silico analysis suggests that this missense variant does not alter protein structure/function; Has not been previously published as pathogenic or benign to our knowledge; Occurs in the triple helical domain at the X position in the canonical Gly-X-Y repeat; although this variant may have an effect on normal protein folding and function, missense substitution at the X position is not a common mechanism of disease

Laboratory for Molecular Medicine, Mass General Brigham Personalized Medicine
Classification: Uncertain significance. Last evaluated: 2018-03-02. Review status: criteria provided, single submitter. Criteria: LMM Criteria. Collection method: clinical testing. Allele origin: germline. Observed: 1 variant allele.
Comment: The p.Phe190Ile variant in COL4A3 has not been previously reported in individual s with Alport syndrome, but has been identified in 3/33550 Latino chromosomes by the Genome Aggregation Database (gnomAD; dbSN P rs371173786). Although this variant has been seen in the general population, i ts frequency is not high enough to rule out a pathogenic role. Computational pre diction tools and conservation analyses do not provide strong support for or aga inst an impact to the protein. In summary, the clinical significance of the p.Ph e190Ile variant is uncertain. ACMG/AMP Criteria applied: PM2.

Natera, Inc.
Classification: Uncertain significance for Alport syndrome. Last evaluated: 2020-09-09. Review status: no assertion criteria provided. Collection method: clinical testing. Allele origin: germline. Not counted in ClinVar's aggregate classification.

NM_000091.5(COL4A3):c.568T>A (p.Phe190Ile)

Genes: COL4A3 (collagen type IV alpha 3 chain; plus strand), MFF-DT (MFF divergent transcript; minus strand). Cytogenetic location: 2q36.3.
Variant type: single nucleotide variant.
Coding change: c.568T>A on transcript NM_000091.5 (MANE Select); coding-DNA position 568, T replaced by A.
Protein change: p.Phe190Ile; replaces phenylalanine 190 with isoleucine.
Molecular consequence: missense variant.
Genome position (GRCh38, 1-based): chr2:227,251,161, T>A. VCF-style: chr2-227251161-T-A. GRCh37 (hg19) VCF-style: chr2-228115877-T-A.
Other names: short protein forms F190I.
Identifiers: ClinVar variation 666814 (VCV000666814.6), dbSNP rs371173786, ClinGen allele CA2146217.
Genomic context (GRCh38, chr2:227,251,161, plus strand): 5'-TAAATTTAAACTTACTCTTATTCTTCTCTCAATTTCAAGGGTTTGCCAGGCCCTCCAGGT[T>A]TTCCTGGGCCTGTTGGCCCACCTGGTCCTCCGGGATTCTTTGTGAGTATCAAGTCATCCT-3'
Protein context (NP_000082.2, residues 180-200): GPQGLPGPPG[Phe190Ile]PGPVGPPGPP